The following is an entry in ClinVar:

NM_005732.4(RAD50):c.204C>G (p.His68Gln)

Gene: RAD50 (RAD50 double strand break repair protein; plus strand). Cytogenetic location: 5q31.1.
Variant type: single nucleotide variant.
Coding change: c.204C>G on transcript NM_005732.4 (MANE Select); coding-DNA position 204, C replaced by G.
Protein change: p.His68Gln; replaces histidine 68 with glutamine.
Molecular consequence: missense variant.
Genome position (GRCh38, 1-based): chr5:132,559,358, C>G. VCF-style: chr5-132559358-C-G. GRCh37 (hg19) VCF-style: chr5-131895050-C-G.
Other names: short protein forms H68Q.
Identifiers: ClinVar variation 1515237 (VCV001515237.8), dbSNP rs28903084, ClinGen allele CA360953774.

ClinVar aggregate classification (germline): Uncertain significance (1 of 4 stars; one submission).

Conditions:
Hereditary cancer-predisposing syndrome. Also called: Tumor predisposition; Neoplastic Syndromes, Hereditary; Hereditary neoplastic syndrome; Hereditary Cancer Syndrome. Identifiers: Orphanet 140162, MedGen C0027672, MeSH D009386, MONDO:0015356.

gnomAD v4.1: 1 of 1,607,832 alleles (0.000062%); highest among the groups gnomAD compares: South Asian, 0.0011%; no homozygotes.

Submission:

Labcorp Genetics (formerly Invitae), Labcorp
Classification: Uncertain significance for Hereditary cancer-predisposing syndrome. Last evaluated: 2020-11-17. Review status: criteria provided, single submitter. Criteria: Invitae Variant Classification Sherloc (09022015). Collection method: clinical testing. Allele origin: germline.
Comment: This sequence change replaces histidine with glutamine at codon 68 of the RAD50 protein (p.His68Gln). The histidine residue is highly conserved and there is a small physicochemical difference between histidine and glutamine. This variant is not present in population databases (ExAC no frequency). This variant has not been reported in the literature in individuals with RAD50-related conditions. Algorithms developed to predict the effect of missense changes on protein structure and function are either unavailable or do not agree on the potential impact of this missense change (SIFT: "Deleterious"; PolyPhen-2: "Probably Damaging"; Align-GVGD: "Class C0"). Algorithms developed to predict the effect of sequence changes on RNA splicing suggest that this variant may create or strengthen a splice site, but this prediction has not been confirmed by published transcriptional studies. In summary, the available evidence is currently insufficient to determine the role of this variant in disease. Therefore, it has been classified as a Variant of Uncertain Significance.